The following is an entry in ClinVar:

ClinVar aggregate classification (germline): Uncertain significance (1 of 4 stars; one submission).

Conditions:
Inborn genetic diseases. Identifiers: MedGen C0950123, MeSH D030342.

Submission:

Ambry Genetics
Classification: Uncertain significance for Inborn genetic diseases. Last evaluated: 2026-06-28. Review status: criteria provided, single submitter. Criteria: Ambry Variant Classification Scheme 2023. Collection method: clinical testing. Allele origin: germline.
Comment: The p.Q913E variant (also known as c.2737C>G), located in coding exon 12 of the BMPR2 gene, results from a C to G substitution at nucleotide position 2737. The glutamine at codon 913 is replaced by glutamic acid, an amino acid with highly similar properties. This amino acid position is conserved. In addition, the in silico prediction for this alteration is inconclusive. Based on the available evidence, the clinical significance of this variant remains unclear.

NM_001204.7(BMPR2):c.2737C>G (p.Gln913Glu)

Gene: BMPR2 (bone morphogenetic protein receptor type 2; plus strand). Cytogenetic location: 2q33.2.
Variant type: single nucleotide variant.
Coding change: c.2737C>G on transcript NM_001204.7 (MANE Select); coding-DNA position 2737, C replaced by G.
Protein change: p.Gln913Glu; replaces glutamine 913 with glutamic acid.
Molecular consequence: missense variant.
Genome position (GRCh38, 1-based): chr2:202,556,402, C>G. VCF-style: chr2-202556402-C-G. GRCh37 (hg19) VCF-style: chr2-203421125-C-G.
Other names: short protein forms Q913E.
Identifiers: ClinVar variation 5033070 (VCV005033070.1).